The following is an entry in ClinVar:

ClinVar aggregate classification (germline): Uncertain significance (1 of 4 stars; one submission).

Conditions:
Brugada syndrome 5 (BRGDA5). Identifiers: Orphanet 130, Orphanet 871, MedGen C2748541, MONDO:0013015, OMIM 612838.

Submission:

Labcorp Genetics (formerly Invitae), Labcorp
Classification: Uncertain significance for Brugada syndrome 5. Last evaluated: 2023-07-09. Review status: criteria provided, single submitter. Criteria: Invitae Variant Classification Sherloc (09022015). Collection method: clinical testing. Allele origin: germline.
Comment: In summary, the available evidence is currently insufficient to determine the role of this variant in disease. Therefore, it has been classified as a Variant of Uncertain Significance. An algorithm developed to predict the effect of missense changes on protein structure and function (PolyPhen-2) suggests that this variant is likely to be tolerated. This variant has not been reported in the literature in individuals affected with SCN1B-related conditions. This variant is not present in population databases (gnomAD no frequency). This sequence change replaces glutamine, which is neutral and polar, with lysine, which is basic and polar, at codon 190 of the SCN1B protein (p.Gln190Lys).

NM_001037.5(SCN1B):c.448+120C>A

Gene: SCN1B (sodium voltage-gated channel beta subunit 1; plus strand). Cytogenetic location: 19q13.11.
Variant type: single nucleotide variant.
Coding change: c.448+120C>A on transcript NM_001037.5 (MANE Select); 120 bases into the intron after coding-DNA position 448, C replaced by A.
Molecular consequence: intron variant. On other transcripts: missense variant (1).
Genome position (GRCh38, 1-based): chr19:35,033,859, C>A. VCF-style: chr19-35033859-C-A. GRCh37 (hg19) VCF-style: chr19-35524763-C-A.
Other names: c.568C>A, p.Gln190Lys (NM_199037.5); c.349+120C>A (NM_001321605.2); short protein forms Q190K.
Identifiers: ClinVar variation 2739461 (VCV002739461.3), dbSNP rs2514235045, ClinGen allele CA405329324.